The following is an entry in ClinVar:

ClinVar aggregate classification (germline): Pathogenic (1 of 4 stars; one submission).

Conditions:
Developmental delay, impaired speech, and behavioral abnormalities. Identifiers: MedGen C5561957, MONDO:0859178, OMIM 619475.

Submission:

Women's Health and Genetics/Laboratory Corporation of America, LabCorp
Classification: Pathogenic for Developmental delay, impaired speech, and behavioral abnormalities. Last evaluated: 2023-08-29. Review status: criteria provided, single submitter. Criteria: LabCorp Variant Classification Summary - May 2015. Collection method: clinical testing. Allele origin: germline.
Comment: Variant summary: SPTBN1 c.5304_5305delTG (p.Gly1769ThrfsX9) results in a premature termination codon, predicted to cause a truncation of the encoded protein or absence of the protein due to nonsense mediated decay, which are commonly known mechanisms for disease. The variant was absent in 251400 control chromosomes (gnomAD). To our knowledge, no occurrence of c.5304_5305delTG in individuals affected with Developmental Delay, Impaired Speech, And Behavioral Abnormalities and no experimental evidence demonstrating its impact on protein function have been reported. No submitters have cited clinical-significance assessments for this variant to ClinVar after 2014. Based on the evidence outlined above, the variant was classified as pathogenic.

NM_003128.3(SPTBN1):c.5304_5305del (p.Gly1769fs)

Gene: SPTBN1 (spectrin beta, non-erythrocytic 1; plus strand). Cytogenetic location: 2p16.2.
Variant type: Deletion.
Coding change: c.5304_5305del on transcript NM_003128.3 (MANE Select); coding-DNA positions 5304 to 5305, 2 bases deleted (TG; older notation c.5304_5305delTG).
Protein change: p.Gly1769fs; shifts the reading frame from glycine 1769.
Molecular consequence: frameshift variant.
Genome position (GRCh38, 1-based): chr2:54,649,716-54,649,717, TG deleted. VCF-style (leftmost placement, unchanged base first): chr2-54649715-CTG-C. GRCh37 (hg19) VCF-style: chr2-54876852-CTG-C.
Other names: c.5265_5266del, p.Gly1756fs (NM_178313.3); short protein forms G1756fs, G1769fs.
Identifiers: ClinVar variation 2581431 (VCV002581431.1), dbSNP rs2549562759, ClinGen allele CA2582342386.
Genomic context (GRCh38, chr2:54,649,715, plus strand): 5'-GGAACATTGGGCAGGAGCGCGTGGACACGGTCAATCACCTGGCAGATGAGCTCATCAACT[CTG>C]GACATTCAGATGCCGCCACCATCGCTGAATGGAAGGATGGCCTCAATGAAGCCTGGGCCG-3'